The following is an entry in ClinVar:

ClinVar aggregate classification (germline): Conflicting classifications of pathogenicity. Review status: criteria provided, conflicting classifications (1 of 4 stars). 2 submissions from 2 submitters: Likely pathogenic (1); Uncertain significance (1). Last evaluated 2025-11-11.

Conditions:
Inborn genetic diseases. Identifiers: MedGen C0950123, MeSH D030342.

Allele frequency attached by ClinVar (database versions not stated): ExAC 0.00001; gnomAD exomes 0.00002; ESP Exome Variant Server 0.00008.
gnomAD v4.1: 23 of 1,552,310 alleles (0.0015%); highest among the groups gnomAD compares: Non-Finnish European, 0.002%; no homozygotes.

Submissions (2):

GeneDx
Classification: Likely pathogenic. Last evaluated: 2025-11-11. Review status: criteria provided, single submitter. Criteria: GeneDx Variant Classification Process June 2021. Collection method: clinical testing. Allele origin: germline.
Comment: Not observed at significant frequency in large population cohorts (gnomAD); In silico analysis supports that this missense variant has a deleterious effect on protein structure/function; Has not been previously published as pathogenic or benign to our knowledge

Ambry Genetics
Classification: Uncertain significance for Inborn genetic diseases. Last evaluated: 2021-02-24. Review status: criteria provided, single submitter. Criteria: Ambry Variant Classification Scheme 2023. Collection method: clinical testing. Allele origin: germline.

NM_005482.3(PIGK):c.611A>T (p.Asp204Val)

Gene: PIGK (phosphatidylinositol glycan anchor biosynthesis class K; minus strand). Cytogenetic location: 1p31.1.
Variant type: single nucleotide variant.
Coding change: c.611A>T on transcript NM_005482.3 (MANE Select); coding-DNA position 611, A replaced by T.
Protein change: p.Asp204Val; replaces aspartic acid 204 with valine.
Molecular consequence: missense variant.
Genome position (GRCh38, 1-based): chr1:77,161,685, T>A on the plus strand (A>T on the coding strand, the complement: PIGK is on the minus strand). VCF-style: chr1-77161685-T-A. GRCh37 (hg19) VCF-style: chr1-77627370-T-A.
Other names: short protein forms D204V.
Identifiers: ClinVar variation 2409835 (VCV002409835.4), dbSNP rs373393953, ClinGen allele CA915880.